The following is an entry in ClinVar:

ClinVar aggregate classification (germline): Uncertain significance. Review status: criteria provided, multiple submitters, no conflicts (2 of 4 stars). 2 submissions from 2 submitters: Uncertain significance (2). Last evaluated 2023-07-29.

Allele frequency attached by ClinVar (database versions not stated): TOPMed 0.00001.
gnomAD v4.1: 2 of 1,613,972 alleles (0.00012%); highest among the groups gnomAD compares: Non-Finnish European, 0.00017%; no homozygotes.

Submissions (2):

Ambry Genetics
Classification: Uncertain significance. Last evaluated: 2023-07-29. Review status: criteria provided, single submitter. Criteria: Ambry Variant Classification Scheme 2023. Collection method: clinical testing. Allele origin: germline.
Comment: The p.D352V variant (also known as c.1055A>T), located in coding exon 8 of the RINT1 gene, results from an A to T substitution at nucleotide position 1055. The aspartic acid at codon 352 is replaced by valine, an amino acid with highly dissimilar properties. This amino acid position is well conserved in available vertebrate species. In addition, this alteration is predicted to be tolerated by in silico analysis. Since supporting evidence is limited at this time, the clinical significance of this alteration remains unclear.

Labcorp Genetics (formerly Invitae), Labcorp
Classification: Uncertain significance. Last evaluated: 2018-12-03. Review status: criteria provided, single submitter. Criteria: Invitae Variant Classification Sherloc (09022015). Collection method: clinical testing. Allele origin: germline.
Comment: In summary, the available evidence is currently insufficient to determine the role of this variant in disease. Therefore, it has been classified as a Variant of Uncertain Significance. Algorithms developed to predict the effect of missense changes on protein structure and function are either unavailable or do not agree on the potential impact of this missense change (SIFT: "Deleterious"; PolyPhen-2: "Possibly Damaging"; Align-GVGD: "Class C0"). This variant has not been reported in the literature in individuals with RINT1-related conditions. This variant is not present in population databases (ExAC no frequency). This sequence change replaces aspartic acid with valine at codon 352 of the RINT1 protein (p.Asp352Val). The aspartic acid residue is moderately conserved and there is a large physicochemical difference between aspartic acid and valine.

NM_021930.6(RINT1):c.1055A>T (p.Asp352Val)

Gene: RINT1 (RAD50 interactor 1; plus strand). Cytogenetic location: 7q22.3.
Variant type: single nucleotide variant.
Coding change: c.1055A>T on transcript NM_021930.6 (MANE Select); coding-DNA position 1055, A replaced by T.
Protein change: p.Asp352Val; replaces aspartic acid 352 with valine.
Molecular consequence: missense variant. On other transcripts: non-coding transcript variant (1).
Genome position (GRCh38, 1-based): chr7:105,550,113, A>T. VCF-style: chr7-105550113-A-T. GRCh37 (hg19) VCF-style: chr7-105190560-A-T.
Other names: c.821A>T, p.Asp274Val (NM_001346599.2); c.32A>T, p.Asp11Val (NM_001346600.2, NM_001346603.2); c.131A>T, p.Asp44Val (NM_001346601.2); short protein forms D11V, D274V, D352V, D44V.
Identifiers: ClinVar variation 651298 (VCV000651298.12), dbSNP rs145829580, ClinGen allele CA368808411.